The following is an entry in ClinVar:

NM_014363.6(SACS):c.3831G>A (p.Trp1277Ter)

Gene: SACS (sacsin molecular chaperone; minus strand). Cytogenetic location: 13q12.12.
Variant type: single nucleotide variant.
Coding change: c.3831G>A on transcript NM_014363.6 (MANE Select); coding-DNA position 3831, G replaced by A.
Protein change: p.Trp1277Ter; replaces tryptophan 1277 with a stop codon.
Molecular consequence: nonsense.
Genome position (GRCh38, 1-based): chr13:23,340,045, C>T on the plus strand (G>A on the coding strand, the complement: SACS is on the minus strand). VCF-style: chr13-23340045-C-T. GRCh37 (hg19) VCF-style: chr13-23914184-C-T.
Other names: c.3390G>A, p.Trp1130Ter (NM_001278055.2); short protein forms W1130*, W1277*.
Identifiers: ClinVar variation 3775181 (VCV003775181.1).

ClinVar aggregate classification (germline): Likely pathogenic (1 of 4 stars; one submission).

Conditions:
Charlevoix-Saguenay spastic ataxia (SACS). Also called: AUTOSOMAL RECESSIVE SPASTIC ATAXIA OF CHARLEVOIX-SAGUENAY; Spastic ataxia of Charlevoix-Saguenay; SPASTIC ATAXIA 6, AUTOSOMAL RECESSIVE. Identifiers: Orphanet 98, MedGen C1849140, MONDO:0010041, OMIM 270550.

Submission:

3billion
Classification: Likely pathogenic for Charlevoix-Saguenay spastic ataxia. Last evaluated: 2023-12-01. Review status: criteria provided, single submitter. Criteria: ACMG Guidelines, 2015. Collection method: clinical testing. Allele origin: germline. Affected: yes.
Comment: The variant is not observed in the gnomAD v2.1.1 dataset. Predicted Consequence/Location: Stop-gained (nonsense): predicted to result in a loss or disruption of normal protein function through protein truncation. The predicted truncated protein may be shortened by more than 10%. Therefore, this variant is classified as Likely pathogenic according to the recommendation of ACMG/AMP guideline.